The following is an entry in ClinVar:

NM_005120.2(MED12):c.-206A>G

Gene: MED12 (mediator complex subunit 12; plus strand). Cytogenetic location: Xq13.1.
Variant type: single nucleotide variant.
Coding change: c.-206A>G on transcript NM_005120.2; 206 bases upstream of the start codon, A replaced by G.
Genome position (GRCh38, 1-based): chrX:71,118,549, A>G. VCF-style: chrX-71118549-A-G. GRCh37 (hg19) VCF-style: chrX-70338399-A-G.
Identifiers: ClinVar variation 670932 (VCV000670932.4), dbSNP rs11796153, ClinGen allele CA330974243.
Genomic context (GRCh38, chrX:71,118,549, plus strand): 5'-CCGAAAAACTCCCGGGGCACAGAGCTCCGCCCCCACCGGGCCAGGCCCCACCTCCTCTGC[A>G]GTCGGTATTGTCCGATGGTTCCCGGCGTACCTCGGCTTCCCTCGGTAGTTTCCGGCAATG-3'

ClinVar aggregate classification (germline): Benign. Review status: criteria provided, multiple submitters, no conflicts (2 of 4 stars). 2 submissions from 2 submitters: Benign (2). Last evaluated 2018-06-14.

Allele frequency attached by ClinVar (database versions not stated): 1000 Genomes Project 30x 0.55734; gnomAD 0.52390; 1000 Genomes Project 0.54543; TOPMed 0.57525.

Submissions (2):

GeneDx
Classification: Benign. Last evaluated: 2018-06-14. Review status: criteria provided, single submitter. Criteria: GeneDx Variant Classification (06012015). Collection method: clinical testing. Allele origin: germline. Affected: yes.
Comment: This variant is considered likely benign or benign based on one or more of the following criteria: it is a conservative change, it occurs at a poorly conserved position in the protein, it is predicted to be benign by multiple in silico algorithms, and/or has population frequency not consistent with disease.

Breakthrough Genomics
Classification: Benign. Review status: criteria provided, single submitter. Criteria: ACMG Guidelines, 2015. Collection method: not provided. Allele origin: germline. Inheritance: X-linked inheritance. Affected: yes.